The following is an entry in ClinVar:

ClinVar aggregate classification (germline): Uncertain significance (1 of 4 stars; one submission).

Conditions:
Walker-Warburg congenital muscular dystrophy. Also called: Muscular dystrophy-dystroglycanopathy, type A; Walker-Warburg syndrome. Identifiers: Orphanet 899, MedGen C0265221, MONDO:0000171.
Muscular dystrophy-dystroglycanopathy (congenital with impaired intellectual development), type B, 1. Also called: MUSCULAR DYSTROPHY, CONGENITAL, POMT1-RELATED; Muscular dystrophy-dystroglycanopathy (congenital with intellectual disability), type B1. Identifiers: MedGen C5436962, MONDO:0013159, OMIM 613155.
Autosomal recessive limb-girdle muscular dystrophy type 2K. Also called: MUSCULAR DYSTROPHY-DYSTROGLYCANOPATHY (LIMB-GIRDLE), TYPE C, 1; MUSCULAR DYSTROPHY, LIMB-GIRDLE, TYPE 2K. Identifiers: Orphanet 86812, MedGen C1836373, MONDO:0012248, OMIM 609308.

Allele frequency attached by ClinVar (database versions not stated): gnomAD exomes below 0.00001.
gnomAD v4.1: 2 of 1,614,170 alleles (0.00012%); highest among the groups gnomAD compares: Non-Finnish European, 0.00017%; no homozygotes.

Submissions (2):

Labcorp Genetics (formerly Invitae), Labcorp
Classification: Uncertain significance for Muscular dystrophy-dystroglycanopathy (congenital with impaired intellectual development), type B, 1; Walker-Warburg congenital muscular dystrophy; Autosomal recessive limb-girdle muscular dystrophy type 2K. Last evaluated: 2022-08-19. Review status: criteria provided, single submitter. Criteria: Invitae Variant Classification Sherloc (09022015). Collection method: clinical testing. Allele origin: germline.
Comment: Algorithms developed to predict the effect of missense changes on protein structure and function (SIFT, PolyPhen-2, Align-GVGD) all suggest that this variant is likely to be tolerated. In summary, the available evidence is currently insufficient to determine the role of this variant in disease. Therefore, it has been classified as a Variant of Uncertain Significance. This variant has not been reported in the literature in individuals affected with POMT1-related conditions. This variant is not present in population databases (gnomAD no frequency). This sequence change replaces methionine, which is neutral and non-polar, with isoleucine, which is neutral and non-polar, at codon 438 of the POMT1 protein (p.Met438Ile).

Dr. Peter K. Rogan Lab, Western University
No classification provided (evidence only). Condition: Melanoma. Review status: no classification provided. Collection method: in vitro. Allele origin: not applicable. Functional consequence: retained intron. Not counted in ClinVar's aggregate classification.

NM_001077365.2(POMT1):c.1248G>T (p.Met416Ile)

Gene: POMT1 (protein O-mannosyltransferase 1; plus strand). Cytogenetic location: 9q34.13.
Variant type: single nucleotide variant.
Coding change: c.1248G>T on transcript NM_001077365.2 (MANE Select); coding-DNA position 1248, G replaced by T.
Protein change: p.Met416Ile; replaces methionine 416 with isoleucine.
Molecular consequence: missense variant. On other transcripts: non-coding transcript variant (10).
Genome position (GRCh38, 1-based): chr9:131,515,498, G>T. VCF-style: chr9-131515498-G-T. GRCh37 (hg19) VCF-style: chr9-134390885-G-T.
Other names: c.1248G>T, p.Met416Ile (NM_001374690.1, NM_001136113.2); c.897G>T, p.Met299Ile (NM_001374691.1, NM_001353195.2, NM_001374692.1 and 2 more transcripts); c.117G>T, p.Met39Ile (NM_001411024.1); c.1314G>T, p.Met438Ile (NM_007171.4, NM_001353193.2); c.1086G>T, p.Met362Ile (NM_001353194.2, NM_001077366.2); c.858G>T, p.Met286Ile (NM_001374695.1); c.1158G>T, p.Met386Ile (NM_001353196.2); c.1152G>T, p.Met384Ile (NM_001353197.2, NM_001353198.2); and 3 more; short protein forms M384I, M386I, M438I, M299I, M321I, M362I, M39I, M412I.
Identifiers: ClinVar variation 1926539 (VCV001926539.6), dbSNP rs1417849652, ClinGen allele CA375310121.